The following is an entry in ClinVar:

NM_152879.3(DGKD):c.2742G>A (p.Val914=)

Gene: DGKD (diacylglycerol kinase delta; plus strand). Cytogenetic location: 2q37.1.
Variant type: single nucleotide variant.
Coding change: c.2742G>A on transcript NM_152879.3 (MANE Select); coding-DNA position 2742, G replaced by A.
Protein change: p.Val914=; no amino-acid change (valine 914 retained).
Molecular consequence: synonymous variant.
Genome position (GRCh38, 1-based): chr2:233,459,804, G>A. VCF-style: chr2-233459804-G-A. GRCh37 (hg19) VCF-style: chr2-234368450-G-A.
Other names: c.2343G>A, p.Val781= (NM_001377259.1); c.2610G>A, p.Val870= (NM_003648.3).
Identifiers: ClinVar variation 1711529 (VCV001711529.30), dbSNP rs2470188561, ClinGen allele CA431834381.

ClinVar aggregate classification (germline): Likely benign (1 of 4 stars; one submission).

Submission:

CeGaT Center for Human Genetics Tuebingen
Classification: Likely benign. Last evaluated: 2022-09-01. Review status: criteria provided, single submitter. Criteria: CeGaT Center For Human Genetics Tuebingen Variant Classification Criteria Version 2. Collection method: clinical testing. Allele origin: germline. Affected: yes. Observed: 1 variant allele.
Comment: DGKD: PM2:Supporting, BP4, BP7